The following is an entry in ClinVar:

NM_138711.6(PPARG):c.537G>A (p.Arg179=)

Genes: PPARG (peroxisome proliferator activated receptor gamma; plus strand), LOC114803475 (PPARG eExon liver enhancer; plus strand). Cytogenetic location: 3p25.2.
Variant type: single nucleotide variant.
Coding change: c.537G>A on transcript NM_138711.6 (MANE Select); coding-DNA position 537, G replaced by A.
Protein change: p.Arg179=; no amino-acid change (arginine 179 retained).
Molecular consequence: synonymous variant. On other transcripts: intron variant (1).
Genome position (GRCh38, 1-based): chr3:12,405,889, G>A. VCF-style: chr3-12405889-G-A. GRCh37 (hg19) VCF-style: chr3-12447388-G-A.
Other names: c.537G>A, p.Arg179= (NM_001330615.4, NM_001354666.3, NM_001354667.3 and 6 more transcripts); c.627G>A, p.Arg209= (NM_001354668.2, NM_001374265.1, NM_015869.5); c.543G>A, p.Arg181= (NM_001354670.2, NM_001374266.1); c.103-10815G>A (NM_001354669.2).
Identifiers: ClinVar variation 4979911 (VCV004979911.1).

ClinVar aggregate classification (germline): Likely benign (1 of 4 stars; one submission).

Conditions:
PPARG-related disorder. Also called: PPARG-related condition; PPARG-related disorders.

Submission:

PreventionGenetics, part of Exact Sciences
Classification: Likely benign for PPARG-related condition. Last evaluated: 2025-01-02. Review status: criteria provided, single submitter. Criteria: ACMG Guidelines, 2015. Collection method: clinical testing. Allele origin: germline.
Comment: This variant is classified as likely benign based on ACMG/AMP sequence variant interpretation guidelines (Richards et al. 2015 PMID: 25741868, with internal and published modifications).